The following is an entry in ClinVar:

NM_001015880.2(PAPSS2):c.724G>T (p.Glu242Ter)

Gene: PAPSS2 (3'-phosphoadenosine 5'-phosphosulfate synthase 2; plus strand). Cytogenetic location: 10q23.31.
Variant type: single nucleotide variant.
Coding change: c.724G>T on transcript NM_001015880.2 (MANE Select); coding-DNA position 724, G replaced by T.
Protein change: p.Glu242Ter; replaces glutamic acid 242 with a stop codon.
Molecular consequence: nonsense.
Genome position (GRCh38, 1-based): chr10:87,715,069, G>T. VCF-style: chr10-87715069-G-T. GRCh37 (hg19) VCF-style: chr10-89474826-G-T.
Other names: c.724G>T, p.Glu242Ter (NM_004670.4); short protein forms E242*.
Identifiers: ClinVar variation 1076661 (VCV001076661.7), dbSNP rs760686756, ClinGen allele CA5589539.

ClinVar aggregate classification (germline): Pathogenic (1 of 4 stars; one submission).

Conditions:
Spondyloepimetaphyseal dysplasia, PAPSS2 type. Also called: SEMD, PAKISTANI TYPE; BRACHYOLMIA TYPE 4 WITH MILD EPIPHYSEAL AND METAPHYSEAL CHANGES; SPONDYLODYSPLASIA AND PREMATURE PUBARCHE. Identifiers: Orphanet 93282, MedGen C2748516, MONDO:0019666, OMIM 612847.

Allele frequency attached by ClinVar (database versions not stated): gnomAD exomes 0.00001; ExAC 0.00002.
gnomAD v4.1: 2 of 1,611,068 alleles (0.00012%); highest among the groups gnomAD compares: Admixed American, 0.0033%; no homozygotes.

Submission:

Labcorp Genetics (formerly Invitae), Labcorp
Classification: Pathogenic for Spondyloepimetaphyseal dysplasia, PAPSS2 type. Last evaluated: 2020-04-16. Review status: criteria provided, single submitter. Criteria: Invitae Variant Classification Sherloc (09022015). Collection method: clinical testing. Allele origin: germline.
Comment: For these reasons, this variant has been classified as Pathogenic. Loss-of-function variants in PAPSS2 are known to be pathogenic (PMID: 22791835, 23633440). This variant has not been reported in the literature in individuals with PAPSS2-related conditions. This variant is present in population databases (rs760686756, ExAC 0.02%). This sequence change creates a premature translational stop signal (p.Glu242*) in the PAPSS2 gene. It is expected to result in an absent or disrupted protein product.

Literature cited by the submitters: PubMed 22791835; PubMed 23633440.